The following is an entry in ClinVar:

ClinVar aggregate classification (germline): Uncertain significance (1 of 4 stars; one submission).

gnomAD v4.1: 8 of 1,613,388 alleles (0.0005%); highest among the groups gnomAD compares: Non-Finnish European, 0.00068%; no homozygotes.

Submission:

GeneDx
Classification: Uncertain significance. Last evaluated: 2024-04-16. Review status: criteria provided, single submitter. Criteria: GeneDx Variant Classification Process June 2021. Collection method: clinical testing. Allele origin: germline. Affected: yes.
Comment: Not observed at significant frequency in large population cohorts (gnomAD); Missense variant in a gene in which most reported pathogenic variants are truncating/loss of function; Has not been previously published as pathogenic or benign to our knowledge

NM_001267550.2(TTN):c.77491T>A (p.Trp25831Arg)

Genes: TTN (titin; minus strand), TTN-AS1 (TTN antisense RNA 1; plus strand). Cytogenetic location: 2q31.2.
Variant type: single nucleotide variant.
Coding change: c.77491T>A on transcript NM_001267550.2 (MANE Select); coding-DNA position 77491, T replaced by A.
Protein change: p.Trp25831Arg; replaces tryptophan 25831 with arginine.
Molecular consequence: missense variant.
Genome position (GRCh38, 1-based): chr2:178,568,641, A>T on the plus strand (T>A on the coding strand, the complement: TTN is on the minus strand). VCF-style: chr2-178568641-A-T. GRCh37 (hg19) VCF-style: chr2-179433368-A-T.
Other names: c.72568T>A, p.Trp24190Arg (NM_001256850.1); c.50296T>A, p.Trp16766Arg (NM_003319.4); c.69787T>A, p.Trp23263Arg (NM_133378.4); c.50671T>A, p.Trp16891Arg (NM_133432.3); c.50872T>A, p.Trp16958Arg (NM_133437.4); short protein forms W16766R, W16891R, W16958R, W23263R, W24190R, W25831R.
Identifiers: ClinVar variation 3372429 (VCV003372429.1).
Genomic context (GRCh38, chr2:178,568,641, plus strand): 5'-CCAGTGAATCGGTAACATTGATTCTTGTGGTCTGCTTCAGTGGGAGACCATCTTTAGTCC[A>T]GGTAATGGTTGGCTTAGGACGTCCAGAAATTGGCACTTCTATTTTCAAATCTTGGCCAAC-3'
Protein context (NP_001254479.2, residues 25821-25841): ISGRPKPTIT[Trp25831Arg]TKDGLPLKQT